The following is an entry in ClinVar:

ClinVar aggregate classification (germline): Uncertain significance (1 of 4 stars; one submission).

Conditions:
Leigh syndrome (NULS). Also called: Leigh's necrotizing encephalopathy; Leigh's disease; Leigh Syndrome (mtDNA deletion); Leigh Disease; Subacute necrotizing encephalopathy; Necrotizing encephalopathy infantile subacute of Leigh. Identifiers: Orphanet 506, MedGen C2931891, MONDO:0009723, OMIM 256000.

Submission:

Wong Mito Lab, Molecular and Human Genetics, Baylor College of Medicine
Classification: Uncertain significance for Leigh syndrome. Last evaluated: 2019-10-17. Review status: criteria provided, single submitter. Criteria: Modified ACMG Guidelines (Unpublished). Collection method: clinical testing. Allele origin: germline.
Comment: The NC_012920.1:m.10524A>G (YP_003024034.1:p.Met19Val) variant in MTND4L gene is interpretated to be a Uncertain Significance variant based on the modified ACMG guidelines (unpublished). This variant meets the following evidence codes: BP4

NC_012920.1(MT-ND4L):m.10524A>G

Gene: MT-ND4L (mitochondrially encoded NADH dehydrogenase 4L; plus strand).
Variant type: single nucleotide variant.
Genome position: chrM-10524-A-G.
Identifiers: ClinVar variation 693296 (VCV000693296.1), dbSNP rs1603222875, ClinGen allele CA414805686.